The following is an entry in ClinVar:

ClinVar aggregate classification (germline): Uncertain significance (1 of 4 stars; one submission).

Conditions:
Congenital cataract-microcephaly-nevus flammeus simplex-severe intellectual disability syndrome. Also called: Basel-Vanagaite-Smirin-Yosef syndrome. Identifiers: Orphanet 464738, MedGen C4225323, MONDO:0014643, OMIM 616449.

Submission:

Neuberg Centre For Genomic Medicine, NCGM
Classification: Uncertain significance for Congenital cataract-microcephaly-nevus flammeus simplex-severe intellectual disability syndrome. Review status: criteria provided, single submitter. Criteria: ACMG Guidelines, 2015. Collection method: clinical testing. Allele origin: germline. Inheritance: Autosomal recessive inheritance. Affected: yes.
Comment: The missense variant p.P463R in MED25 (NM_030973.4) has not been reported previously as a pathogenic variant nor as a benign variant, to our knowledge. The p.P463R variant is novel (not in any individuals) in gnomAD Exomes and is novel (not in any individuals) in 1000 Genomes. There is a moderate physicochemical difference between proline and arginine. The p.P463R missense variant is predicted to be damaging by both SIFT and PolyPhen2. The proline residue at codon 463 of MED25 is conserved in all mammalian species. The nucleotide c.1388 in MED25 is predicted conserved by GERP++ and PhyloP across 100 vertebrates. For these reasons, this variant has been classified as Uncertain Significance.

NM_030973.4(MED25):c.1388C>G (p.Pro463Arg)

Gene: MED25 (mediator complex subunit 25; plus strand). Cytogenetic location: 19q13.33.
Variant type: single nucleotide variant.
Coding change: c.1388C>G on transcript NM_030973.4 (MANE Select); coding-DNA position 1388, C replaced by G.
Protein change: p.Pro463Arg; replaces proline 463 with arginine.
Molecular consequence: missense variant.
Genome position (GRCh38, 1-based): chr19:49,832,321, C>G. VCF-style: chr19-49832321-C-G. GRCh37 (hg19) VCF-style: chr19-50335578-C-G.
Other names: c.1388C>G, p.Pro463Arg (NM_001378355.1); short protein forms P463R.
Identifiers: ClinVar variation 2627529 (VCV002627529.1), dbSNP rs1600327761, ClinGen allele CA406917354.